The following is an entry in ClinVar:

ClinVar aggregate classification (germline): Uncertain significance (1 of 4 stars; one submission).

Conditions:
Hereditary breast ovarian cancer syndrome. Also called: Hereditary breast and ovarian cancer; Hereditary breast and ovarian cancer syndrome; Breast and ovarian cancer; BRCA1- and BRCA2-Associated Hereditary Breast and Ovarian Cancer; Hereditary breast and ovarian cancer syndrome (HBOC); Hereditary breast and/or ovarian cancer syndrome. Identifiers: Orphanet 145, MedGen C0677776, MeSH D061325, MONDO:0003582. Disease mechanism: loss of function.

Submission:

Labcorp Genetics (formerly Invitae), Labcorp
Classification: Uncertain significance for Hereditary breast ovarian cancer syndrome. Last evaluated: 2023-08-07. Review status: criteria provided, single submitter. Criteria: Invitae Variant Classification Sherloc (09022015). Collection method: clinical testing. Allele origin: germline.
Comment: In summary, the available evidence is currently insufficient to determine the role of this variant in disease. Therefore, it has been classified as a Variant of Uncertain Significance. Advanced modeling of protein sequence and biophysical properties (such as structural, functional, and spatial information, amino acid conservation, physicochemical variation, residue mobility, and thermodynamic stability) performed at Invitae indicates that this missense variant is not expected to disrupt BRCA1 protein function. This sequence change replaces asparagine, which is neutral and polar, with aspartic acid, which is acidic and polar, at codon 343 of the BRCA1 protein (p.Asn343Asp). This variant is not present in population databases (gnomAD no frequency). This variant has not been reported in the literature in individuals affected with BRCA1-related conditions.

NM_007294.4(BRCA1):c.1027A>G (p.Asn343Asp)

Gene: BRCA1 (BRCA1 DNA repair associated; minus strand). Cytogenetic location: 17q21.31.
Variant type: single nucleotide variant.
Coding change: c.1027A>G on transcript NM_007294.4 (MANE Select); coding-DNA position 1027, A replaced by G.
Protein change: p.Asn343Asp; replaces asparagine 343 with aspartic acid.
Molecular consequence: missense variant. On other transcripts: intron variant (137).
Genome position (GRCh38, 1-based): chr17:43,094,504, T>C on the plus strand (A>G on the coding strand, the complement: BRCA1 is on the minus strand). VCF-style: chr17-43094504-T-C. GRCh37 (hg19) VCF-style: chr17-41246521-T-C.
Other names: c.1027A>G, p.Asn343Asp (NM_001407854.1, NM_001407858.1, NM_001407859.1 and 30 more transcripts); c.1024A>G, p.Asn342Asp (NM_001407860.1, NM_001407861.1, NM_001407587.1 and 22 more transcripts); c.826A>G, p.Asn276Asp (NM_001407862.1); c.904A>G, p.Asn302Asp (NM_001407863.1, NM_001407648.1, NM_001407664.1 and 19 more transcripts); c.823A>G, p.Asn275Asp (NM_001407874.1, NM_001407875.1); c.817A>G, p.Asn273Asp (NM_001407879.1, NM_001407881.1, NM_001407882.1 and 13 more transcripts); c.814A>G, p.Asn272Asp (NM_001407895.1, NM_001407896.1, NM_001407897.1 and 9 more transcripts); c.787+240A>G (NM_007299.4, NM_001407974.1, NM_001407969.1 and 19 more transcripts); and 40 more; short protein forms N216D, N275D, N317D, N342D, N175D, N273D, N276D, N301D.
Identifiers: ClinVar variation 2750867 (VCV002750867.3), dbSNP rs2154479589, ClinGen allele CA10600005.